The following is an entry in ClinVar:

NM_004104.5(FASN):c.6103G>A (p.Gly2035Ser)

Gene: FASN (fatty acid synthase; minus strand). Cytogenetic location: 17q25.3.
Variant type: single nucleotide variant.
Coding change: c.6103G>A on transcript NM_004104.5 (MANE Select); coding-DNA position 6103, G replaced by A.
Protein change: p.Gly2035Ser; replaces glycine 2035 with serine.
Molecular consequence: missense variant.
Genome position (GRCh38, 1-based): chr17:82,082,069, C>T on the plus strand (G>A on the coding strand, the complement: FASN is on the minus strand). VCF-style: chr17-82082069-C-T. GRCh37 (hg19) VCF-style: chr17-80039945-C-T.
Other names: short protein forms G2035S.
Identifiers: ClinVar variation 1942527 (VCV001942527.5), dbSNP rs1346720981, ClinGen allele CA401602316.

ClinVar aggregate classification (germline): Uncertain significance (1 of 4 stars; one submission).

Conditions:
Epileptic encephalopathy. Identifiers: MedGen C0543888, HP:0200134.

Allele frequency attached by ClinVar (database versions not stated): gnomAD exomes below 0.00001; TOPMed below 0.00001.
gnomAD v4.1: 3 of 1,610,382 alleles (0.00019%); highest among the groups gnomAD compares: East Asian, 0.0022%; no homozygotes.

Submission:

Labcorp Genetics (formerly Invitae), Labcorp
Classification: Uncertain significance for Epileptic encephalopathy. Last evaluated: 2022-07-15. Review status: criteria provided, single submitter. Criteria: Invitae Variant Classification Sherloc (09022015). Collection method: clinical testing. Allele origin: germline.
Comment: In summary, the available evidence is currently insufficient to determine the role of this variant in disease. Therefore, it has been classified as a Variant of Uncertain Significance. This sequence change replaces glycine, which is neutral and non-polar, with serine, which is neutral and polar, at codon 2035 of the FASN protein (p.Gly2035Ser). This variant is present in population databases (no rsID available, gnomAD 0.006%). This variant has not been reported in the literature in individuals affected with FASN-related conditions. Algorithms developed to predict the effect of missense changes on protein structure and function are either unavailable or do not agree on the potential impact of this missense change (SIFT: "Deleterious"; PolyPhen-2: "Probably Damaging"; Align-GVGD: "Class C0").